The following is an entry in ClinVar:

ClinVar aggregate classification (germline): Uncertain significance (1 of 4 stars; one submission).

Conditions:
Saldino-Mainzer syndrome (SRTD9). Also called: CONORENAL SYNDROME; Renal dysplasia, retinal pigmentary dystrophy, cerebellar ataxia and skeletal dysplasia; SHORT-RIB THORACIC DYSPLASIA 9 WITHOUT POLYDACTYLY; short-rib thoracic dysplasia 9 with or without polydactyly. Identifiers: Orphanet 140969, MedGen C1849437, MONDO:0009964, OMIM 266920.

Submission:

Labcorp Genetics (formerly Invitae), Labcorp
Classification: Uncertain significance for Saldino-Mainzer syndrome. Last evaluated: 2022-07-01. Review status: criteria provided, single submitter. Criteria: Invitae Variant Classification Sherloc (09022015). Collection method: clinical testing. Allele origin: germline.
Comment: This variant is not present in population databases (gnomAD no frequency). This sequence change replaces glycine, which is neutral and non-polar, with aspartic acid, which is acidic and polar, at codon 704 of the IFT140 protein (p.Gly704Asp). This variant has not been reported in the literature in individuals affected with IFT140-related conditions. Algorithms developed to predict the effect of missense changes on protein structure and function are either unavailable or do not agree on the potential impact of this missense change (SIFT: "Tolerated"; PolyPhen-2: "Probably Damaging"; Align-GVGD: "Class C0"). In summary, the available evidence is currently insufficient to determine the role of this variant in disease. Therefore, it has been classified as a Variant of Uncertain Significance.

NM_014714.4(IFT140):c.2111G>A (p.Gly704Asp)

Gene: IFT140 (intraflagellar transport 140; minus strand). Cytogenetic location: 16p13.3.
Variant type: single nucleotide variant.
Coding change: c.2111G>A on transcript NM_014714.4 (MANE Select); coding-DNA position 2111, G replaced by A.
Protein change: p.Gly704Asp; replaces glycine 704 with aspartic acid.
Molecular consequence: missense variant.
Genome position (GRCh38, 1-based): chr16:1,562,073, C>T on the plus strand (G>A on the coding strand, the complement: IFT140 is on the minus strand). VCF-style: chr16-1562073-C-T. GRCh37 (hg19) VCF-style: chr16-1612074-C-T.
Other names: short protein forms G704D.
Identifiers: ClinVar variation 2010283 (VCV002010283.3), dbSNP rs760967482, ClinGen allele CA394203753.
Genomic context (GRCh38, chr16:1,562,073, plus strand): 5'-TCCATCCCCAGGAGACTGTGGGAGGTGGCAGGCCGGGGGAAGCTCTCATGAAGCAGGAAG[C>T]CGTGCTCTTCGGAAATGAAGAAGGACAGGATCAAAACATCTGCCTGGGAGAGAAAGAAAA-3'
Protein context (NP_055529.2, residues 694-714): ILSFFISEEH[Gly704Asp]FLLHESFPRP